The following is an entry in ClinVar:

NM_033118.4(MYLK2):c.105C>T (p.Asp35=)

Gene: MYLK2 (myosin light chain kinase 2; plus strand). Cytogenetic location: 20q11.21.
Variant type: single nucleotide variant.
Coding change: c.105C>T on transcript NM_033118.4 (MANE Select); coding-DNA position 105, C replaced by T.
Protein change: p.Asp35=; no amino-acid change (aspartic acid 35 retained).
Molecular consequence: synonymous variant.
Genome position (GRCh38, 1-based): chr20:31,820,178, C>T. VCF-style: chr20-31820178-C-T. GRCh37 (hg19) VCF-style: chr20-30407981-C-T.
Identifiers: ClinVar variation 164493 (VCV000164493.9), dbSNP rs551492045, ClinGen allele CA177180.

ClinVar aggregate classification (germline): Likely benign. Review status: criteria provided, multiple submitters, no conflicts (2 of 4 stars). 4 submissions from 4 submitters: Likely benign (4). Last evaluated 2026-06-05.

Conditions:
Hypertrophic cardiomyopathy 1 (CMH1). Also called: Familial hypertrophic cardiomyopathy 1; MYH7-Related Familial Hypertrophic Cardiomyopathy. Identifiers: MedGen C3495498, MONDO:0008647, OMIM 192600.

Allele frequency attached by ClinVar (database versions not stated): ExAC 0.00002; gnomAD 0.00006; TOPMed 0.00003; gnomAD exomes 0.00001; 1000 Genomes Project 30x 0.00016; 1000 Genomes Project 0.00020.
gnomAD v4.1: 23 of 1,614,008 alleles (0.0014%); highest among the groups gnomAD compares: African/African-American, 0.028%; no homozygotes.

Submissions (4):

Women's Health and Genetics/Laboratory Corporation of America, LabCorp
Classification: Likely benign. Last evaluated: 2026-06-05. Review status: criteria provided, single submitter. Criteria: LabCorp Variant Classification Summary - May 2015. Collection method: clinical testing. Allele origin: germline.

Labcorp Genetics (formerly Invitae), Labcorp
Classification: Likely benign for Hypertrophic cardiomyopathy 1. Last evaluated: 2025-05-21. Review status: criteria provided, single submitter. Criteria: Invitae Variant Classification Sherloc (09022015). Collection method: clinical testing. Allele origin: germline.

Ambry Genetics
Classification: Likely benign. Last evaluated: 2023-09-25. Review status: criteria provided, single submitter. Criteria: Ambry Variant Classification Scheme 2023. Collection method: clinical testing. Allele origin: germline.

Laboratory for Molecular Medicine, Mass General Brigham Personalized Medicine
Classification: Likely benign. Last evaluated: 2014-06-26. Review status: criteria provided, single submitter. Criteria: LMM Criteria. Collection method: clinical testing. Allele origin: germline. Observed: 1 variant allele.
Comment: Asp35Asp in exon 3 of MYLK2: This variant is not expected to have clinical signi ficance because it does not alter an amino acid residue and is not located withi n the splice consensus sequence.